The following is an entry in ClinVar:

NM_000130.5(F5):c.2383C>G (p.Gln795Glu)

Gene: F5 (coagulation factor V; minus strand). Cytogenetic location: 1q24.2.
Variant type: single nucleotide variant.
Coding change: c.2383C>G on transcript NM_000130.5 (MANE Select); coding-DNA position 2383, C replaced by G.
Protein change: p.Gln795Glu; replaces glutamine 795 with glutamic acid.
Molecular consequence: missense variant.
Genome position (GRCh38, 1-based): chr1:169,542,707, G>C on the plus strand (C>G on the coding strand, the complement: F5 is on the minus strand). VCF-style: chr1-169542707-G-C. GRCh37 (hg19) VCF-style: chr1-169511945-G-C.
Other names: short protein forms Q795E.
Identifiers: ClinVar variation 727136 (VCV000727136.10), dbSNP rs374379051, ClinGen allele CA1234096.

ClinVar aggregate classification (germline): Conflicting classifications of pathogenicity. Review status: criteria provided, conflicting classifications (1 of 4 stars). 3 submissions from 3 submitters: Uncertain significance (1); Likely benign (2). Last evaluated 2026-07-01.

Conditions:
Congenital factor V deficiency. Also called: Hereditary factor V deficiency disease; LABILE FACTOR DEFICIENCY; OWREN PARAHEMOPHILIA; PARAHEMOPHILIA. Identifiers: Orphanet 326, MedGen C0015499, MONDO:0009210, OMIM 227400.
Inborn genetic diseases. Identifiers: MedGen C0950123, MeSH D030342.

Allele frequency attached by ClinVar (database versions not stated): gnomAD 0.00003 and 0.00004; ESP Exome Variant Server 0.00008; gnomAD exomes 0.00014 and 0.00031; TOPMed 0.00015; ExAC 0.00030.
gnomAD v4.1: 89 of 1,614,006 alleles (0.0055%); highest among the groups gnomAD compares: Admixed American, 0.15%; 1 homozygote.

Submissions (3):

CeGaT Center for Human Genetics Tuebingen
Classification: Likely benign. Last evaluated: 2026-07-01. Review status: criteria provided, single submitter. Criteria: CeGaT Center For Human Genetics Tuebingen Variant Classification Criteria Version 2. Collection method: clinical testing. Allele origin: germline. Affected: yes. Observed: 1 variant allele.
Comment: F5: BP4

Labcorp Genetics (formerly Invitae), Labcorp
Classification: Likely benign for Congenital factor V deficiency. Last evaluated: 2025-12-03. Review status: criteria provided, single submitter. Criteria: Invitae Variant Classification Sherloc (09022015). Collection method: clinical testing. Allele origin: germline.

Ambry Genetics
Classification: Uncertain significance for Inborn genetic diseases. Last evaluated: 2025-08-23. Review status: criteria provided, single submitter. Criteria: Ambry Variant Classification Scheme 2023. Collection method: clinical testing. Allele origin: germline.